The following is an entry in ClinVar:

ClinVar aggregate classification (germline): Conflicting classifications of pathogenicity. Review status: criteria provided, conflicting classifications (1 of 4 stars). 7 submissions from 7 submitters: Uncertain significance (4); Benign (1); Likely benign (2). Last evaluated 2025-12-19.

Conditions:
Weill-Marchesani syndrome 2, dominant. Also called: FBN1-Related Weill-Marchesani Syndrome; Weill-Marchesani Syndrome, Autosomal Dominant. Identifiers: Orphanet 2084, MedGen C1869115, MONDO:0012013, OMIM 608328.
Ectopia lentis 1, isolated, autosomal dominant (ECTOL1). Identifiers: Orphanet 1885, MedGen C3541518, MONDO:0007514, OMIM 129600.
Marfan syndrome (MFS). Also called: MARFAN SYNDROME, TYPE I; FBN1-Related Marfan Syndrome; Marfan syndrome type 1; Marfan's syndrome; Marfan syndrome, classic. Identifiers: Orphanet 284963, Orphanet 558, MedGen C0024796, MONDO:0007947, OMIM 154700.
Stiff skin syndrome (SSKS). Identifiers: Orphanet 2833, MedGen C1861456, MONDO:0008492, OMIM 184900.
Acromicric dysplasia (ACMICD). Also called: Acromicric skeletal dysplasia. Identifiers: Orphanet 969, MedGen C0265287, MONDO:0007055, OMIM 102370.
Progeroid and marfanoid aspect-lipodystrophy syndrome. Also called: MARFANOID-PROGEROID SYNDROME; MARFAN-PROGEROID-LIPODYSTROPHY SYNDROME; Marfan lipodystrophy syndrome; MARFANOID-PROGEROID-LIPODYSTROPHY SYNDROME. Identifiers: Orphanet 300382, MedGen C4310796, MONDO:0014831, OMIM 616914.
MASS syndrome (OCTD). Also called: MASS PHENOTYPE; OVERLAP CONNECTIVE TISSUE DISEASE. Identifiers: MedGen C1858556, MONDO:0011431, OMIM 604308.
Geleophysic dysplasia 2 (GPHYSD2). Identifiers: Orphanet 2623, MedGen C3280054, MONDO:0013612, OMIM 614185.
Familial thoracic aortic aneurysm and aortic dissection (TAAD). Also called: Thoracic aortic aneurysms and dissections. Identifiers: Orphanet 91387, MedGen C4707243, MONDO:0019625.

Allele frequency attached by ClinVar (database versions not stated): ExAC 0.00001; gnomAD exomes 0.00001; gnomAD 0.00005 and 0.00006; TOPMed 0.00006.
gnomAD v4.1: 16 of 1,613,616 alleles (0.00099%); highest among the groups gnomAD compares: African/African-American, 0.016%; no homozygotes.

Submissions (7):

Ambry Genetics
Classification: Uncertain significance for Familial thoracic aortic aneurysm and aortic dissection. Last evaluated: 2025-12-19. Review status: criteria provided, single submitter. Criteria: Ambry Variant Classification Scheme 2023. Collection method: clinical testing. Allele origin: germline.

Molecular Diagnostic Laboratory for Inherited Cardiovascular Disease, Montreal Heart Institute
Classification: Likely benign. Last evaluated: 2025-04-09. Review status: criteria provided, single submitter. Criteria: ACMG Guidelines, 2015. Collection method: clinical testing. Allele origin: germline. Affected: no.
Comment: BS1, BP4

Labcorp Genetics (formerly Invitae), Labcorp
Classification: Benign for Marfan syndrome; Familial thoracic aortic aneurysm and aortic dissection. Last evaluated: 2025-03-05. Review status: criteria provided, single submitter. Criteria: Invitae Variant Classification Sherloc (09022015). Collection method: clinical testing. Allele origin: germline.

All of Us Research Program, National Institutes of Health
Classification: Uncertain significance for Marfan syndrome. Last evaluated: 2024-09-23. Review status: criteria provided, single submitter. Criteria: ACMG Guidelines, 2015. Collection method: clinical testing. Allele origin: germline. Inheritance: Autosomal dominant inheritance. Observed: 3 variant alleles, 3 heterozygotes.
Comment: This missense variant replaces alanine with glycine at codon 1439 of the FBN1 protein. Computational prediction suggests that this variant may not impact protein structure and function (internally defined REVEL score threshold <= 0.5, PMID: 27666373). To our knowledge, functional studies have not been reported for this variant. This variant has not been reported in individuals affected with cardiovascular disorders in the literature. This variant has been identified in 7/282700 chromosomes in the general population by the Genome Aggregation Database (gnomAD). The available evidence is insufficient to determine the role of this variant in disease conclusively. Therefore, this variant is classified as a Variant of Uncertain Significance.

This study involves interpretation of variants in research participants for the purpose of population health screening. Participant phenotype was not available at the time of variant classification. Additional details can be found in publication PMID: 35346344, PMCID: PMC8962531

Color Diagnostics, LLC DBA Color Health
Classification: Uncertain significance for Familial thoracic aortic aneurysm and aortic dissection. Last evaluated: 2022-09-13. Review status: criteria provided, single submitter. Criteria: ACMG Guidelines, 2015. Collection method: clinical testing. Allele origin: germline.
Comment: This missense variant replaces alanine with glycine at codon 1439 of the FBN1 protein. Computational prediction suggests that this variant may not impact protein structure and function (internally defined REVEL score threshold <= 0.5, PMID: 27666373). To our knowledge, functional studies have not been reported for this variant. This variant has not been reported in individuals affected with cardiovascular disorders in the literature. This variant has been identified in 7/282700 chromosomes in the general population by the Genome Aggregation Database (gnomAD). The available evidence is insufficient to determine the role of this variant in disease conclusively. Therefore, this variant is classified as a Variant of Uncertain Significance.

Fulgent Genetics
Classification: Uncertain significance for Acromicric dysplasia; Ectopia lentis 1, isolated, autosomal dominant; Marfan syndrome; Stiff skin syndrome; MASS syndrome; Weill-Marchesani syndrome 2, dominant; Geleophysic dysplasia 2; Progeroid and marfanoid aspect-lipodystrophy syndrome. Last evaluated: 2021-07-10. Review status: criteria provided, single submitter. Criteria: ACMG Guidelines, 2015. Collection method: clinical testing. Allele origin: unknown.

Blueprint Genetics
Classification: Likely benign. Last evaluated: 2021-07-06. Review status: criteria provided, single submitter. Criteria: ACMG Guidelines, 2015. Collection method: clinical testing. Allele origin: germline.

NM_000138.5(FBN1):c.4316C>G (p.Ala1439Gly)

Genes: FBN1 (fibrillin 1; minus strand), LOC126862124 (CDK7 strongly-dependent group 2 enhancer GRCh37_chr15:48764566-48765765; plus strand). Cytogenetic location: 15q21.1.
Variant type: single nucleotide variant.
Coding change: c.4316C>G on transcript NM_000138.5 (MANE Select); coding-DNA position 4316, C replaced by G.
Protein change: p.Ala1439Gly; replaces alanine 1439 with glycine.
Molecular consequence: missense variant.
Genome position (GRCh38, 1-based): chr15:48,472,571, G>C on the plus strand (C>G on the coding strand, the complement: FBN1 is on the minus strand). VCF-style: chr15-48472571-G-C. GRCh37 (hg19) VCF-style: chr15-48764768-G-C.
Other names: short protein forms A1439G.
Identifiers: ClinVar variation 457209 (VCV000457209.19), dbSNP rs755085498, ClinGen allele CA052473.